The following is an entry in ClinVar:

NM_052947.4(ALPK2):c.6052C>T (p.His2018Tyr)

Gene: ALPK2 (alpha kinase 2; minus strand). Cytogenetic location: 18q21.31.
Variant type: single nucleotide variant.
Coding change: c.6052C>T on transcript NM_052947.4 (MANE Select); coding-DNA position 6052, C replaced by T.
Protein change: p.His2018Tyr; replaces histidine 2018 with tyrosine.
Molecular consequence: missense variant.
Genome position (GRCh38, 1-based): chr18:58,504,126, G>A on the plus strand (C>T on the coding strand, the complement: ALPK2 is on the minus strand). VCF-style: chr18-58504126-G-A. GRCh37 (hg19) VCF-style: chr18-56171358-G-A.
Other names: short protein forms H2018Y.
Identifiers: ClinVar variation 1751285 (VCV001751285.2), dbSNP rs2518855068, ClinGen allele CA402544536.
Genomic context (GRCh38, chr18:58,504,126, plus strand): 5'-CAAATTCTCCAATCAGCTCCTCCTCCACTGTAGCATACGGGATATTGTTCTCAGGCCGAT[G>A]GATAAGAAAAATAGGAATGATCCTGGCAGGGAAGAGAACACAGGCGCACATCAAGGTCTC-3'
Protein context (NP_443179.3, residues 2008-2028): VPEIIPIFLI[His2018Tyr]RPENNIPYAT

ClinVar aggregate classification (germline): Uncertain significance (1 of 4 stars; one submission).

Submission:

Ambry Genetics
Classification: Uncertain significance. Last evaluated: 2022-01-12. Review status: criteria provided, single submitter. Criteria: Ambry Variant Classification Scheme 2023. Collection method: clinical testing. Allele origin: germline.
Comment: The p.H2018Y variant (also known as c.6052C>T), located in coding exon 10 of the ALPK2 gene, results from a C to T substitution at nucleotide position 6052. The histidine at codon 2018 is replaced by tyrosine, an amino acid with similar properties. This amino acid position is conserved. In addition, this alteration is predicted to be tolerated by in silico analysis. Since supporting evidence is limited at this time, the clinical significance of this alteration remains unclear.